The following is an entry in ClinVar:

ClinVar aggregate classification (germline): Uncertain significance (1 of 4 stars; one submission).

Conditions:
Early Myoclonic Encephalopathy. Identifiers: MedGen C0270855.

Allele frequency attached by ClinVar (database versions not stated): gnomAD 0.00001; gnomAD exomes 0.00001.
gnomAD v4.1: 7 of 1,613,974 alleles (0.00043%); highest among the groups gnomAD compares: South Asian, 0.0011%; no homozygotes.

Submission:

Labcorp Genetics (formerly Invitae), Labcorp
Classification: Uncertain significance for Early Myoclonic Encephalopathy. Last evaluated: 2023-07-30. Review status: criteria provided, single submitter. Criteria: Invitae Variant Classification Sherloc (09022015). Collection method: clinical testing. Allele origin: germline.
Comment: In summary, the available evidence is currently insufficient to determine the role of this variant in disease. Therefore, it has been classified as a Variant of Uncertain Significance. Advanced modeling of protein sequence and biophysical properties (such as structural, functional, and spatial information, amino acid conservation, physicochemical variation, residue mobility, and thermodynamic stability) performed at Invitae indicates that this missense variant is not expected to disrupt KCND2 protein function. This variant has not been reported in the literature in individuals affected with KCND2-related conditions. This variant is present in population databases (no rsID available, gnomAD 0.003%). This sequence change replaces aspartic acid, which is acidic and polar, with asparagine, which is neutral and polar, at codon 57 of the KCND2 protein (p.Asp57Asn).

NM_012281.3(KCND2):c.169G>A (p.Asp57Asn)

Gene: KCND2 (potassium voltage-gated channel subfamily D member 2; plus strand). Cytogenetic location: 7q31.31.
Variant type: single nucleotide variant.
Coding change: c.169G>A on transcript NM_012281.3 (MANE Select); coding-DNA position 169, G replaced by A.
Protein change: p.Asp57Asn; replaces aspartic acid 57 with asparagine.
Molecular consequence: missense variant.
Genome position (GRCh38, 1-based): chr7:120,274,801, G>A. VCF-style: chr7-120274801-G-A. GRCh37 (hg19) VCF-style: chr7-119914855-G-A.
Other names: short protein forms D57N.
Identifiers: ClinVar variation 2909341 (VCV002909341.3), dbSNP rs1164073170, ClinGen allele CA369130981.